The following is an entry in ClinVar:

ClinVar aggregate classification (germline): Pathogenic (1 of 4 stars; one submission).

Conditions:
Cystic fibrosis (CF). Also called: MUCOVISCIDOSIS. Identifiers: Orphanet 586, MedGen C0010674, MONDO:0009061, OMIM 219700. Disease mechanism: loss of function.

Submission:

Labcorp Genetics (formerly Invitae), Labcorp
Classification: Pathogenic for Cystic fibrosis. Last evaluated: 2024-04-15. Review status: criteria provided, single submitter. Criteria: Invitae Variant Classification Sherloc (09022015). Collection method: clinical testing. Allele origin: germline.
Comment: This sequence change creates a premature translational stop signal (p.His667Thrfs*22) in the CFTR gene. It is expected to result in an absent or disrupted protein product. Loss-of-function variants in CFTR are known to be pathogenic (PMID: 1695717, 7691345, 9725922). This variant is not present in population databases (gnomAD no frequency). This variant has not been reported in the literature in individuals affected with CFTR-related conditions. For these reasons, this variant has been classified as Pathogenic.

Literature cited by the submitters: PubMed 1695717; PubMed 7691345; PubMed 9725922.

NM_000492.4(CFTR):c.1998dup (p.His667fs)

Gene: CFTR (CF transmembrane conductance regulator; plus strand). Cytogenetic location: 7q31.2.
Variant type: Duplication.
Coding change: c.1998dup on transcript NM_000492.4 (MANE Select); coding-DNA position 1998, one base duplicated (A; older notation c.1998dupA).
Protein change: p.His667fs; shifts the reading frame from histidine 667.
Molecular consequence: frameshift variant.
Genome position (GRCh38, 1-based): chr7:117,592,165, A duplicated. VCF-style (leftmost placement, unchanged base first): chr7-117592164-T-TA. GRCh37 (hg19) VCF-style: chr7-117232218-T-TA.
Other names: short protein forms H667fs.
Identifiers: ClinVar variation 3632647 (VCV003632647.2).